The following is an entry in ClinVar:

NM_000051.4(ATM):c.8734del (p.Arg2912fs)

Genes: ATM (ATM serine/threonine kinase; plus strand), C11orf65 (chromosome 11 open reading frame 65; minus strand). Cytogenetic location: 11q22.3.
Variant type: Deletion.
Coding change: c.8734del on transcript NM_000051.4 (MANE Select); coding-DNA position 8734, one base deleted (A; older notation c.8734delA).
Protein change: p.Arg2912fs; shifts the reading frame from arginine 2912.
Molecular consequence: frameshift variant. On other transcripts: intron variant (2).
Genome position (GRCh38, 1-based): chr11:108,353,828, A deleted. VCF-style (leftmost placement, unchanged base first): chr11-108353827-CA-C. GRCh37 (hg19) VCF-style: chr11-108224554-CA-C.
Other names: c.8734del, p.Arg2912fs (NM_001351834.2); c.640+32092del (NM_001330368.2); c.695-18536del (NM_001351110.2); short protein forms R2912fs.
Identifiers: ClinVar variation 3223367 (VCV003223367.1), dbSNP rs2547517100, ClinGen allele CA2825001988.

ClinVar aggregate classification (germline): Pathogenic (1 of 4 stars; one submission).

Conditions:
Hereditary cancer-predisposing syndrome. Also called: Tumor predisposition; Hereditary Cancer Syndrome; Hereditary neoplastic syndrome; Neoplastic Syndromes, Hereditary. Identifiers: Orphanet 140162, MedGen C0027672, MeSH D009386, MONDO:0015356.

Submission:

Ambry Genetics
Classification: Pathogenic for Hereditary cancer-predisposing syndrome. Last evaluated: 2023-10-28. Review status: criteria provided, single submitter. Criteria: Ambry Variant Classification Scheme 2023. Collection method: clinical testing. Allele origin: germline.
Comment: The c.8734delA pathogenic mutation, located in coding exon 59 of the ATM gene, results from a deletion of one nucleotide at nucleotide position 8734, causing a translational frameshift with a predicted alternate stop codon (p.R2912Efs*26). This variant is considered to be rare based on population cohorts in the Genome Aggregation Database (gnomAD). This alteration is expected to result in loss of function by premature protein truncation or nonsense-mediated mRNA decay. As such, this alteration is interpreted as a disease-causing mutation.